The following is an entry in ClinVar:

ClinVar aggregate classification (germline): Uncertain significance. Review status: criteria provided, multiple submitters, no conflicts (2 of 4 stars). 3 submissions from 3 submitters: Uncertain significance (3). Last evaluated 2024-08-28.

Conditions:
Rhabdoid tumor predisposition syndrome 2 (RTPS2). Identifiers: Orphanet 231108, Orphanet 69077, MedGen C2750074, MONDO:0013224, OMIM 613325.
Hereditary cancer-predisposing syndrome. Also called: Hereditary Cancer Syndrome; Neoplastic Syndromes, Hereditary; Tumor predisposition; Hereditary neoplastic syndrome. Identifiers: Orphanet 140162, MedGen C0027672, MeSH D009386, MONDO:0015356.

Allele frequency attached by ClinVar (database versions not stated): gnomAD exomes below 0.00001.
gnomAD v4.1: 4 of 1,550,918 alleles (0.00026%); highest among the groups gnomAD compares: Non-Finnish European, 0.00035%; no homozygotes.

Submissions (3):

Labcorp Genetics (formerly Invitae), Labcorp
Classification: Uncertain significance for Rhabdoid tumor predisposition syndrome 2. Last evaluated: 2024-08-28. Review status: criteria provided, single submitter. Criteria: Invitae Variant Classification Sherloc (09022015). Collection method: clinical testing. Allele origin: germline.
Comment: This sequence change creates a premature translational stop signal (p.Arg1653*) in the SMARCA4 gene. While this is not anticipated to result in nonsense mediated decay, it is expected to disrupt the last 27 amino acid(s) of the SMARCA4 protein. This variant is not present in population databases (gnomAD no frequency). This premature translational stop signal has been observed in individual(s) with neuroblastoma (PMID: 31018240). ClinVar contains an entry for this variant (Variation ID: 1075995). Experimental studies and prediction algorithms are not available or were not evaluated, and the functional significance of this variant is currently unknown. In summary, the available evidence is currently insufficient to determine the role of this variant in disease. Therefore, it has been classified as a Variant of Uncertain Significance.

Blueprint Genetics
Classification: Uncertain significance. Last evaluated: 2023-01-19. Review status: criteria provided, single submitter. Criteria: ACMG Guidelines, 2015. Collection method: clinical testing. Allele origin: germline.

Ambry Genetics
Classification: Uncertain significance for Hereditary cancer-predisposing syndrome. Last evaluated: 2019-08-30. Review status: criteria provided, single submitter. Criteria: Ambry Variant Classification Scheme 2023. Collection method: clinical testing. Allele origin: germline.
Comment: The p.R1653* variant (also known as c.4957C>T), located in coding exon 34 of the SMARCA4 gene, results from a C to T substitution at nucleotide position 4957. This changes the amino acid from an arginine to a stop codon within coding exon 34. Premature stop codons are typically deleterious in nature, however, this stop codon occurs at the 3' terminus of SMARCA4 , is not expected to trigger nonsense-mediated mRNA decay, and impacts only the last 27 amino acids of the protein. The exact functional impact of these removed amino acids is unknown at this time. Since supporting evidence is limited at this time, the clinical significance of this alteration remains unclear.

Literature cited by the submitters: PubMed 31018240 (cited by Labcorp Genetics (formerly Invitae), Labcorp).

NM_003072.5(SMARCA4):c.4861C>T (p.Arg1621Ter)

Gene: SMARCA4 (SWI/SNF related BAF chromatin remodeling complex subunit ATPase 4; plus strand). Cytogenetic location: 19p13.2.
Variant type: single nucleotide variant.
Coding change: c.4861C>T on transcript NM_003072.5 (MANE Select); coding-DNA position 4861, C replaced by T.
Protein change: p.Arg1621Ter; replaces arginine 1621 with a stop codon.
Molecular consequence: nonsense. On other transcripts: non-coding transcript variant (1).
Genome position (GRCh38, 1-based): chr19:11,060,137, C>T. VCF-style: chr19-11060137-C-T. GRCh37 (hg19) VCF-style: chr19-11170813-C-T.
Other names: c.4861C>T, p.Arg1621Ter (NM_001128844.3); c.4771C>T, p.Arg1591Ter (NM_001128845.2); c.4768C>T, p.Arg1590Ter (NM_001128846.2); c.4762C>T, p.Arg1588Ter (NM_001128847.4, NM_001374457.1); c.4759C>T, p.Arg1587Ter (NM_001128848.2); c.4957C>T, p.Arg1653Ter (NM_001128849.3, NM_001387283.1); short protein forms R1587*, R1588*, R1590*, R1591*, R1621*, R1653*.
Identifiers: ClinVar variation 1075995 (VCV001075995.10), dbSNP rs955207258, ClinGen allele CA305298964.
Genomic context (GRCh38, chr19:11,060,137, plus strand): 5'-CGGAAGGAGAAGGCACAGGACCGGCTGAAGGGCGGCCGGCGGCGGCCGAGCCGAGGGTCC[C>T]GAGCCAAGCCGGTCGTGAGTGACGATGACAGTGAGGAGGAACAAGAGGAGGTGAGGCCGG-3'